The following is an entry in ClinVar:

ClinVar aggregate classification (germline): Uncertain significance. Review status: criteria provided, multiple submitters, no conflicts (2 of 4 stars). 2 submissions from 2 submitters: Uncertain significance (2). Last evaluated 2026-03-01.

Conditions:
ELP2-related disorder. Also called: ELP2-Related Disorders; ELP2-related condition.

gnomAD v4.1: 59 of 1,535,524 alleles (0.0038%); highest among the groups gnomAD compares: Admixed American, 0.014%; no homozygotes.

Submissions (2):

CeGaT Center for Human Genetics Tuebingen
Classification: Uncertain significance. Last evaluated: 2026-03-01. Review status: criteria provided, single submitter. Criteria: CeGaT Center For Human Genetics Tuebingen Variant Classification Criteria Version 2. Collection method: clinical testing. Allele origin: germline. Affected: yes. Observed: 1 variant allele.
Comment: ELP2: PM2, BP4

PreventionGenetics, part of Exact Sciences
Classification: Uncertain significance for ELP2-related condition. Last evaluated: 2022-10-17. Review status: criteria provided, single submitter. Criteria: ACMG Guidelines, 2015. Collection method: clinical testing. Allele origin: germline.
Comment: The ELP2 c.551G>A variant is predicted to result in the amino acid substitution p.Arg184Gln. To our knowledge, this variant has not been reported in the literature. This variant is reported in 0.0082% of alleles in individuals of Latino descent in gnomAD. At this time, the clinical significance of this variant is uncertain due to the absence of conclusive functional and genetic evidence.

NM_018255.4(ELP2):c.523+574G>A

Gene: ELP2 (elongator acetyltransferase complex subunit 2; plus strand). Cytogenetic location: 18q12.2.
Variant type: single nucleotide variant.
Coding change: c.523+574G>A on transcript NM_018255.4 (MANE Select); 574 bases into the intron after coding-DNA position 523, G replaced by A.
Molecular consequence: intron variant. On other transcripts: missense variant (3).
Genome position (GRCh38, 1-based): chr18:36,139,446, G>A. VCF-style: chr18-36139446-G-A. GRCh37 (hg19) VCF-style: chr18-33719409-G-A.
Other names: c.551G>A, p.Arg184Gln (NM_001242875.3); c.473G>A, p.Arg158Gln (NM_001242876.3, NM_001324466.2); c.523+574G>A (NM_001324467.2, NM_001324465.2); c.445+1020G>A (NM_001242877.3, NM_001242878.3, NM_001242879.3); c.76+574G>A (NM_001324468.2); short protein forms R158Q, R184Q.
Identifiers: ClinVar variation 2635866 (VCV002635866.5), dbSNP rs74586912, ClinGen allele CA298660832.